The following is an entry in ClinVar:

ClinVar aggregate classification (germline): Uncertain significance (1 of 4 stars; one submission).

Conditions:
DiGeorge syndrome. Also called: Catch22; THIRD AND FOURTH PHARYNGEAL POUCH SYNDROME. Identifiers: Orphanet 567, MedGen C0012236, MONDO:0008564, OMIM 188400.

Allele frequency attached by ClinVar (database versions not stated): gnomAD exomes below 0.00001.
gnomAD v4.1: 2 of 1,543,036 alleles (0.00013%); highest among the groups gnomAD compares: Admixed American, 0.0018%; no homozygotes.

Submission:

Labcorp Genetics (formerly Invitae), Labcorp
Classification: Uncertain significance for DiGeorge syndrome. Last evaluated: 2024-05-09. Review status: criteria provided, single submitter. Criteria: Invitae Variant Classification Sherloc (09022015). Collection method: clinical testing. Allele origin: germline.
Comment: This sequence change replaces proline, which is neutral and non-polar, with arginine, which is basic and polar, at codon 448 of the TBX1 protein (p.Pro448Arg). The frequency data for this variant in the population databases is considered unreliable, as metrics indicate poor data quality at this position in the gnomAD database. This variant has not been reported in the literature in individuals affected with TBX1-related conditions. An algorithm developed to predict the effect of missense changes on protein structure and function (PolyPhen-2) suggests that this variant is likely to be disruptive. In summary, the available evidence is currently insufficient to determine the role of this variant in disease. Therefore, it has been classified as a Variant of Uncertain Significance.

NM_001379200.1(TBX1):c.1370C>G (p.Pro457Arg)

Gene: TBX1 (T-box transcription factor 1; plus strand). Cytogenetic location: 22q11.21.
Variant type: single nucleotide variant.
Coding change: c.1370C>G on transcript NM_001379200.1 (MANE Select); coding-DNA position 1370, C replaced by G.
Protein change: p.Pro457Arg; replaces proline 457 with arginine.
Molecular consequence: missense variant. On other transcripts: intron variant (2).
Genome position (GRCh38, 1-based): chr22:19,766,722, C>G. VCF-style: chr22-19766722-C-G. GRCh37 (hg19) VCF-style: chr22-19754245-C-G.
Other names: c.1343C>G, p.Pro448Arg (NM_080647.1); c.1009+720C>G (NM_005992.1, NM_080646.2); short protein forms P448R, P457R.
Identifiers: ClinVar variation 2918811 (VCV002918811.3), dbSNP rs1252623993, ClinGen allele CA410685168.